The following is an entry in ClinVar:

NM_001666.5(ARHGAP4):c.2825C>T (p.Thr942Ile)

Gene: ARHGAP4 (Rho GTPase activating protein 4; minus strand). Cytogenetic location: Xq28.
Variant type: single nucleotide variant.
Coding change: c.2825C>T on transcript NM_001666.5 (MANE Select); coding-DNA position 2825, C replaced by T.
Protein change: p.Thr942Ile; replaces threonine 942 with isoleucine.
Molecular consequence: missense variant.
Genome position (GRCh38, 1-based): chrX:153,907,745, G>A on the plus strand (C>T on the coding strand, the complement: ARHGAP4 is on the minus strand). VCF-style: chrX-153907745-G-A. GRCh37 (hg19) VCF-style: chrX-153173199-G-A.
Other names: c.2945C>T, p.Thr982Ile (NM_001164741.2); short protein forms T942I, T982I.
Identifiers: ClinVar variation 2411109 (VCV002411109.26), dbSNP rs781790917, ClinGen allele CA10555194.

ClinVar aggregate classification (germline): Conflicting classifications of pathogenicity. Review status: criteria provided, conflicting classifications (1 of 4 stars). 2 submissions from 2 submitters: Uncertain significance (1); Likely benign (1). Last evaluated 2023-03-01.

Allele frequency attached by ClinVar (database versions not stated): TOPMed 0.00003; gnomAD 0.00004; gnomAD exomes 0.00006; ExAC 0.00013; 1000 Genomes Project 30x 0.00042; 1000 Genomes Project 0.00053.
gnomAD v4.1: 56 of 1,002,106 alleles (0.0056%); highest among the groups gnomAD compares: South Asian, 0.2%; no homozygotes.

Submissions (2):

CeGaT Center for Human Genetics Tuebingen
Classification: Likely benign. Last evaluated: 2023-03-01. Review status: criteria provided, single submitter. Criteria: CeGaT Center For Human Genetics Tuebingen Variant Classification Criteria Version 2. Collection method: clinical testing. Allele origin: germline. Affected: yes. Observed: 1 variant allele.
Comment: ARHGAP4: BP4, BS2

Ambry Genetics
Classification: Uncertain significance. Last evaluated: 2022-08-17. Review status: criteria provided, single submitter. Criteria: Ambry Variant Classification Scheme 2023. Collection method: clinical testing. Allele origin: germline.